The following is an entry in ClinVar:

NM_007198.4(PLPBP):c.238C>A (p.Pro80Thr)

Gene: PLPBP (pyridoxal phosphate binding protein; plus strand). Cytogenetic location: 8p11.23.
Variant type: single nucleotide variant.
Coding change: c.238C>A on transcript NM_007198.4 (MANE Select); coding-DNA position 238, C replaced by A.
Protein change: p.Pro80Thr; replaces proline 80 with threonine.
Molecular consequence: missense variant.
Genome position (GRCh38, 1-based): chr8:37,765,741, C>A. VCF-style: chr8-37765741-C-A. GRCh37 (hg19) VCF-style: chr8-37623259-C-A.
Other names: c.238C>A, p.Pro80Thr (NM_001349346.2); c.232C>A, p.Pro78Thr (NM_001349347.2); c.82C>A, p.Pro28Thr (NM_001349348.2); c.343C>A, p.Pro115Thr (NM_001349349.1); short protein forms P115T, P28T, P78T, P80T.
Identifiers: ClinVar variation 2026142 (VCV002026142.1), dbSNP rs2487370437, ClinGen allele CA370666871.
Genomic context (GRCh38, chr8:37,765,741, plus strand): 5'-CTTCTGACTTGTTCTGTTTTGACCTTTTAGGTTCAGGAACTGCTAGAAAAAGCATCAAAT[C>A]CCAAAGTAAGTAGATAGCTGAATTCTTTAATTTGTATCTAAATCTTGGCTCTTTAGTTGA-3'
Protein context (NP_009129.1, residues 70-90): VQELLEKASN[Pro80Thr]KILSLCPEIK

ClinVar aggregate classification (germline): Uncertain significance (1 of 4 stars; one submission).

Submission:

Labcorp Genetics (formerly Invitae), Labcorp
Classification: Uncertain significance. Last evaluated: 2022-10-21. Review status: criteria provided, single submitter. Criteria: Invitae Variant Classification Sherloc (09022015). Collection method: clinical testing. Allele origin: germline.
Comment: This sequence change replaces proline, which is neutral and non-polar, with threonine, which is neutral and polar, at codon 80 of the PROSC protein (p.Pro80Thr). This variant is not present in population databases (gnomAD no frequency). This variant has not been reported in the literature in individuals affected with PROSC-related conditions. Algorithms developed to predict the effect of missense changes on protein structure and function output the following: SIFT: "Deleterious"; PolyPhen-2: "Benign"; Align-GVGD: "Class C0". The threonine amino acid residue is found in multiple mammalian species, which suggests that this missense change does not adversely affect protein function. In summary, the available evidence is currently insufficient to determine the role of this variant in disease. Therefore, it has been classified as a Variant of Uncertain Significance.